The following is an entry in ClinVar:

ClinVar aggregate classification (germline): Uncertain significance (1 of 4 stars; one submission).

gnomAD v4.1: 8 of 1,611,194 alleles (0.0005%); highest among the groups gnomAD compares: Admixed American, 0.0017%; no homozygotes.

Submission:

Labcorp Genetics (formerly Invitae), Labcorp
Classification: Uncertain significance. Last evaluated: 2025-06-16. Review status: criteria provided, single submitter. Criteria: Invitae Variant Classification Sherloc (09022015). Collection method: clinical testing. Allele origin: germline.
Comment: This sequence change replaces arginine, which is basic and polar, with tryptophan, which is neutral and slightly polar, at codon 435 of the RELB protein (p.Arg435Trp). The frequency data for this variant in the population databases is considered unreliable, as metrics indicate poor data quality at this position in the gnomAD database. This variant has not been reported in the literature in individuals affected with RELB-related conditions. An algorithm developed to predict the effect of missense changes on protein structure and function (PolyPhen-2) suggests that this variant is likely to be disruptive. In summary, the available evidence is currently insufficient to determine the role of this variant in disease. Therefore, it has been classified as a Variant of Uncertain Significance.

NM_006509.4(RELB):c.1303C>T (p.Arg435Trp)

Gene: RELB (RELB proto-oncogene, NF-kB subunit; plus strand). Cytogenetic location: 19q13.32.
Variant type: single nucleotide variant.
Coding change: c.1303C>T on transcript NM_006509.4 (MANE Select); coding-DNA position 1303, C replaced by T.
Protein change: p.Arg435Trp; replaces arginine 435 with tryptophan.
Molecular consequence: missense variant.
Genome position (GRCh38, 1-based): chr19:45,034,477, C>T. VCF-style: chr19-45034477-C-T. GRCh37 (hg19) VCF-style: chr19-45537735-C-T.
Other names: c.1294C>T, p.Arg432Trp (NM_001411087.1); short protein forms R432W, R435W.
Identifiers: ClinVar variation 4777071 (VCV004777071.1).